The following is an entry in ClinVar:

ClinVar aggregate classification (germline): Uncertain significance (1 of 4 stars; one submission).

gnomAD v4.1: 12 of 1,535,960 alleles (0.00078%); highest among the groups gnomAD compares: East Asian, 0.024%; no homozygotes.

Submission:

Labcorp Genetics (formerly Invitae), Labcorp
Classification: Uncertain significance. Last evaluated: 2026-02-01. Review status: criteria provided, single submitter. Criteria: Invitae Variant Classification Sherloc (09022015). Collection method: clinical testing. Allele origin: germline.
Comment: The FMN1 gene has multiple clinically relevant transcripts. This variant occurs in alternate transcript NM_001277314.1, and corresponds to NM_001103184.3:c.-86636G>C in the primary transcript. This sequence change replaces cysteine, which is neutral and slightly polar, with serine, which is neutral and polar, at codon 132 of the FMN1 protein (p.Cys132Ser). This variant is present in population databases (no rsID available, gnomAD 0.08%), and has an allele count higher than expected for a pathogenic variant. This variant has not been reported in the literature in individuals affected with FMN1-related conditions. Experimental studies and prediction algorithms are not available or were not evaluated, and the functional significance of this variant is currently unknown. In summary, the available evidence is currently insufficient to determine the role of this variant in disease. Therefore, it has been classified as a Variant of Uncertain Significance.

NM_001277313.2(FMN1):c.395G>C (p.Cys132Ser)

Gene: FMN1 (formin 1; minus strand). Cytogenetic location: 15q13.3.
Variant type: single nucleotide variant.
Coding change: c.395G>C on transcript NM_001277313.2 (MANE Select); coding-DNA position 395, G replaced by C.
Protein change: p.Cys132Ser; replaces cysteine 132 with serine.
Molecular consequence: missense variant.
Genome position (GRCh38, 1-based): chr15:33,154,520, C>G on the plus strand (G>C on the coding strand, the complement: FMN1 is on the minus strand). VCF-style: chr15-33154520-C-G. GRCh37 (hg19) VCF-style: chr15-33446721-C-G.
Other names: c.395G>C, p.Cys132Ser (NM_001277314.2); short protein forms C132S.
Identifiers: ClinVar variation 4752256 (VCV004752256.1).